The following is an entry in ClinVar:

ClinVar aggregate classification (germline): Uncertain significance. Review status: criteria provided, multiple submitters, no conflicts (2 of 4 stars). 2 submissions from 2 submitters: Uncertain significance (2). Last evaluated 2025-04-19.

Conditions:
Cardiovascular phenotype. Identifiers: MedGen CN230736.
Keratosis palmoplantaris striata 2. Also called: Keratosis palmoplantaris striata II; KERATODERMA, PALMOPLANTAR, STRIATE FORM II; STRIATE PALMOPLANTAR KERATODERMA II. Identifiers: MedGen C1852127, MONDO:0013034, OMIM 612908.

Submissions (2):

Ambry Genetics
Classification: Uncertain significance for Cardiovascular phenotype. Last evaluated: 2025-04-19. Review status: criteria provided, single submitter. Criteria: Ambry Variant Classification Scheme 2023. Collection method: clinical testing. Allele origin: germline.
Comment: The p.R451L variant (also known as c.1352G>T), located in coding exon 11 of the DSP gene, results from a G to T substitution at nucleotide position 1352. The arginine at codon 451 is replaced by leucine, an amino acid with dissimilar properties. This amino acid position is highly conserved in available vertebrate species. In addition, this alteration is predicted to be deleterious by in silico analysis. Based on the available evidence, the clinical significance of this variant remains unclear.

Centre for Mendelian Genomics, University Medical Centre Ljubljana
Classification: Uncertain significance for Keratosis palmoplantaris striata 2. Last evaluated: 2019-04-01. Review status: criteria provided, single submitter. Criteria: ACMG Guidelines, 2015. Collection method: clinical testing. Allele origin: unknown. Affected: yes.
Comment: This variant was classified as: Uncertain significance. The available evidence favors the pathogenic nature of this variant, however the currently available data is insufficient to conclusively support its pathogenic nature. Thus this variant is classified as Uncertain significance - favor pathogenic. The following ACMG criteria were applied in classifying this variant: PM2,PP3.

NM_004415.4(DSP):c.1352G>T (p.Arg451Leu)

Gene: DSP (desmoplakin; plus strand). Cytogenetic location: 6p24.3.
Variant type: single nucleotide variant.
Coding change: c.1352G>T on transcript NM_004415.4 (MANE Select); coding-DNA position 1352, G replaced by T.
Protein change: p.Arg451Leu; replaces arginine 451 with leucine.
Molecular consequence: missense variant.
Genome position (GRCh38, 1-based): chr6:7,568,522, G>T. VCF-style: chr6-7568522-G-T. GRCh37 (hg19) VCF-style: chr6-7568755-G-T.
Other names: c.1352G>T, p.Arg451Leu (NM_001008844.3, NM_001319034.2); short protein forms R451L.
Identifiers: ClinVar variation 931096 (VCV000931096.4), dbSNP rs786204294, ClinGen allele CA362676536.